The following is an entry in ClinVar:

ClinVar aggregate classification (germline): Likely benign. Review status: criteria provided, multiple submitters, no conflicts (2 of 4 stars). 3 submissions from 3 submitters: Likely benign (3). Last evaluated 2025-03-12.

Conditions:
Hereditary cancer-predisposing syndrome. Also called: Hereditary neoplastic syndrome; Tumor predisposition; Neoplastic Syndromes, Hereditary; Hereditary Cancer Syndrome. Identifiers: Orphanet 140162, MedGen C0027672, MeSH D009386, MONDO:0015356.
POLD1-related polyposis and colorectal cancer syndrome (CRCS10). Also called: Colorectal cancer, susceptibility to, 10; Colorectal cancer 10; COLORECTAL CANCER, SUSCEPTIBILITY TO, ON CHROMOSOME 19q. Identifiers: Orphanet 220460, MedGen C2675481, MONDO:0012953, OMIM 612591.

Allele frequency attached by ClinVar (database versions not stated): ESP Exome Variant Server 0.00008.
gnomAD v4.1: 7 of 1,613,972 alleles (0.00043%); highest among the groups gnomAD compares: East Asian, 0.0022%; no homozygotes.

Submissions (3):

Labcorp Genetics (formerly Invitae), Labcorp
Classification: Likely benign for POLD1-related polyposis and colorectal cancer syndrome. Last evaluated: 2025-03-12. Review status: criteria provided, single submitter. Criteria: Invitae Variant Classification Sherloc (09022015). Collection method: clinical testing. Allele origin: germline.

CeGaT Center for Human Genetics Tuebingen
Classification: Likely benign. Last evaluated: 2022-04-01. Review status: criteria provided, single submitter. Criteria: CeGaT Center For Human Genetics Tuebingen Variant Classification Criteria Version 2. Collection method: clinical testing. Allele origin: germline. Affected: yes. Observed: 1 variant allele.
Comment: POLD1: BP4, BP7

Ambry Genetics
Classification: Likely benign for Hereditary cancer-predisposing syndrome. Last evaluated: 2016-03-28. Review status: criteria provided, single submitter. Criteria: Ambry Variant Classification Scheme 2023. Collection method: clinical testing. Allele origin: germline.

NM_002691.4(POLD1):c.534G>A (p.Gly178=)

Gene: POLD1 (DNA polymerase delta 1, catalytic subunit; plus strand). Cytogenetic location: 19q13.33.
Variant type: single nucleotide variant.
Coding change: c.534G>A on transcript NM_002691.4 (MANE Select); coding-DNA position 534, G replaced by A.
Protein change: p.Gly178=; no amino-acid change (glycine 178 retained).
Molecular consequence: synonymous variant. On other transcripts: non-coding transcript variant (1).
Genome position (GRCh38, 1-based): chr19:50,402,069, G>A. VCF-style: chr19-50402069-G-A. GRCh37 (hg19) VCF-style: chr19-50905326-G-A.
Other names: c.534G>A, p.Gly178= (NM_001256849.1, NM_001308632.1).
Identifiers: ClinVar variation 484372 (VCV000484372.38), dbSNP rs376129517, ClinGen allele CA9595784.